The following is an entry in ClinVar:

ClinVar aggregate classification (germline): Pathogenic. Review status: criteria provided, multiple submitters, no conflicts (2 of 4 stars). 3 submissions from 3 submitters: Pathogenic (2). 1 of the submissions does not count toward it. Last evaluated 2025-11-13.

Conditions:
Tuberous sclerosis syndrome (TSC). Also called: Tuberous Sclerosis Complex; Tuberous sclerosis. Identifiers: Orphanet 805, MedGen C0041341, MONDO:0001734.
Tuberous sclerosis 2 (TSC2). Identifiers: Orphanet 805, MedGen C1860707, MONDO:0013199, OMIM 613254.

Submissions (3):

Labcorp Genetics (formerly Invitae), Labcorp
Classification: Pathogenic for Tuberous sclerosis 2. Last evaluated: 2025-11-13. Review status: criteria provided, single submitter. Criteria: Invitae Variant Classification Sherloc (09022015). Collection method: clinical testing. Allele origin: germline.
Comment: This sequence change creates a premature translational stop signal (p.Ser1482Glufs*42) in the TSC2 gene. It is expected to result in an absent or disrupted protein product. Loss-of-function variants in TSC2 are known to be pathogenic (PMID: 10205261, 17304050). This variant is not present in population databases (gnomAD no frequency). This premature translational stop signal has been observed in individual(s) with tuberous sclerosis complex (PMID: 16981987). This variant is also known as c.4440dupA. ClinVar contains an entry for this variant (Variation ID: 49298). Algorithms developed to predict the effect of sequence changes on RNA splicing suggest that this variant may disrupt the consensus splice site. For these reasons, this variant has been classified as Pathogenic.

GeneDx
Classification: Pathogenic. Last evaluated: 2024-05-07. Review status: criteria provided, single submitter. Criteria: GeneDx Variant Classification Process June 2021. Collection method: clinical testing. Allele origin: germline. Affected: yes.
Comment: Frameshift variant predicted to result in protein truncation or nonsense mediated decay in a gene for which loss of function is a known mechanism of disease; Not observed at significant frequency in large population cohorts (gnomAD); Also known as c.4440dupA; This variant is associated with the following publications: (PMID: 16981987)

Tuberous sclerosis database (TSC2)
No classification provided. Condition: TSC. Review status: no classification provided. Criteria: Tuberous Sclerosis Database Assertion Criteria 2015. Collection method: curation. Allele origin: germline. Affected: yes. Not counted in ClinVar's aggregate classification.

Literature cited by the submitters: PubMed 10205261 (cited by Labcorp Genetics (formerly Invitae), Labcorp); PubMed 17304050 (cited by Labcorp Genetics (formerly Invitae), Labcorp); PubMed 16981987 (cited by Labcorp Genetics (formerly Invitae), Labcorp).

NM_000548.5(TSC2):c.4442dup (p.Ser1482fs)

Gene: TSC2 (TSC complex subunit 2; plus strand). Cytogenetic location: 16p13.3.
Variant type: Duplication.
Coding change: c.4442dup on transcript NM_000548.5 (MANE Select); coding-DNA position 4442, one base duplicated (A; older notation c.4442dupA).
Protein change: p.Ser1482fs; shifts the reading frame from serine 1482.
Molecular consequence: frameshift variant.
Genome position (GRCh38, 1-based): chr16:2,084,664, A duplicated; the last of 3 consecutive A bases (chr16:2,084,662-2,084,664); duplicating any one gives the same sequence. VCF-style (leftmost placement, unchanged base first): chr16-2084661-T-TA. GRCh37 (hg19) VCF-style: chr16-2134662-T-TA.
Other names: c.4241dup, p.Ser1415fs (NM_001077183.3); c.4373dup, p.Ser1459fs (NM_001114382.3); c.4133dup, p.Ser1379fs (NM_001318827.2); c.4097dup, p.Ser1367fs (NM_001318829.2); c.3710dup, p.Ser1238fs (NM_001318831.2); c.4274dup, p.Ser1426fs (NM_001318832.2); c.4244dup, p.Ser1416fs (NM_001363528.2); c.4310dup, p.Ser1438fs (NM_001370404.1); and 1 more; short protein forms S1415fs, S1426fs, S1482fs, S1238fs, S1367fs, S1459fs, S1379fs, S1416fs.
Identifiers: ClinVar variation 49298 (VCV000049298.8), dbSNP rs137854312, ClinGen allele CA020476.
Genomic context (GRCh38, chr16:2,084,661, plus strand): 5'-GTTACACCATCTCCGACTCGGCCCCATCACGCAGGGGCAAGAGAGTAGAGAGGGACGCCT[T>TA]AAAGAGCAGAGCCACAGCCTCCAATGCAGAGAAAGTGCCAGGCATCAACCCCAGGTGGGC-3'